The following is an entry in ClinVar:

NM_001098671.2(RASGRP2):c.1075G>A (p.Asp359Asn)

Gene: RASGRP2 (RAS guanyl releasing protein 2; minus strand). Cytogenetic location: 11q13.1.
Variant type: single nucleotide variant.
Coding change: c.1075G>A on transcript NM_001098671.2 (MANE Select); coding-DNA position 1075, G replaced by A.
Protein change: p.Asp359Asn; replaces aspartic acid 359 with asparagine.
Molecular consequence: missense variant.
Genome position (GRCh38, 1-based): chr11:64,736,773, C>T on the plus strand (G>A on the coding strand, the complement: RASGRP2 is on the minus strand). VCF-style: chr11-64736773-C-T. GRCh37 (hg19) VCF-style: chr11-64504245-C-T.
Other names: p.Asp359Asn; c.1075G>A, p.Asp359Asn (NM_001098670.2, NM_001440690.1, NM_001440691.1 and 9 more transcripts); c.640G>A, p.Asp214Asn (NM_001318398.2); c.1072G>A, p.Asp358Asn (NM_001440700.1, NM_001440701.1, NM_001440702.1); c.1162G>A, p.Asp388Asn (NM_001440703.1, NM_001440704.1); c.1159G>A, p.Asp387Asn (NM_001440705.1); short protein forms D214N, D359N, D387N, D388N, D358N.
Identifiers: ClinVar variation 4541631 (VCV004541631.1).

ClinVar aggregate classification (germline): Uncertain significance (1 of 4 stars; one submission).

gnomAD v4.1: 3 of 1,595,672 alleles (0.00019%); highest among the groups gnomAD compares: Non-Finnish European, 0.00026%; no homozygotes.

Submission:

Mayo Clinic Laboratories, Mayo Clinic
Classification: Uncertain significance. Last evaluated: 2024-10-07. Review status: criteria provided, single submitter. Criteria: ACMG Guidelines, 2015. Collection method: clinical testing. Allele origin: germline. Observed: 1 variant allele.
Comment: PM1_supporting, PM2_supporting